The following is an entry in ClinVar:

NM_022356.4(P3H1):c.618+1G>A

Gene: P3H1 (prolyl 3-hydroxylase 1; minus strand). Cytogenetic location: 1p34.2.
Variant type: single nucleotide variant.
Coding change: c.618+1G>A on transcript NM_022356.4 (MANE Select); the canonical splice donor site of the intron after coding-DNA position 618, G replaced by A.
Molecular consequence: splice donor variant.
Genome position (GRCh38, 1-based): chr1:42,762,322, C>T on the plus strand (G>A on the coding strand, the complement: P3H1 is on the minus strand). VCF-style: chr1-42762322-C-T. GRCh37 (hg19) VCF-style: chr1-43227993-C-T.
Other names: c.618+1G>A (NM_001146289.2, NM_001243246.2).
Identifiers: ClinVar variation 3584148 (VCV003584148.2).

ClinVar aggregate classification (germline): Likely pathogenic. Review status: criteria provided, multiple submitters, no conflicts (2 of 4 stars). 2 submissions from 2 submitters: Likely pathogenic (2). Last evaluated 2025-06-22.

Conditions:
Osteogenesis imperfecta type 8 (OI8). Identifiers: MedGen C1970458, MONDO:0012581, OMIM 610915.

Submissions (2):

Labcorp Genetics (formerly Invitae), Labcorp
Classification: Likely pathogenic for Osteogenesis imperfecta type 8. Last evaluated: 2025-06-22. Review status: criteria provided, single submitter. Criteria: Invitae Variant Classification Sherloc (09022015). Collection method: clinical testing. Allele origin: germline.
Comment: This sequence change affects a donor splice site in intron 2 of the P3H1 gene. It is expected to disrupt RNA splicing. Variants that disrupt the donor or acceptor splice site typically lead to a loss of protein function (PMID: 16199547), and loss-of-function variants in P3H1 are known to be pathogenic (PMID: 17277775, 18566967, 19088120, 22281939). This variant is present in population databases (rs765116035, gnomAD 0.0009%). Disruption of this splice site has been observed in individual(s) with osteogenesis imperfecta (PMID: 24498616). ClinVar contains an entry for this variant (Variation ID: 3584148). Algorithms developed to predict the effect of sequence changes on RNA splicing suggest that this variant may disrupt the consensus splice site. In summary, the currently available evidence indicates that the variant is pathogenic, but additional data are needed to prove that conclusively. Therefore, this variant has been classified as Likely Pathogenic.

Fulgent Genetics
Classification: Likely pathogenic for Osteogenesis imperfecta type 8. Last evaluated: 2024-06-04. Review status: criteria provided, single submitter. Criteria: ACMG Guidelines, 2015. Collection method: clinical testing. Allele origin: germline.

Literature cited by the submitters: PubMed 16199547 (cited by Labcorp Genetics (formerly Invitae), Labcorp); PubMed 17277775 (cited by Labcorp Genetics (formerly Invitae), Labcorp); PubMed 18566967 (cited by Labcorp Genetics (formerly Invitae), Labcorp); PubMed 19088120 (cited by Labcorp Genetics (formerly Invitae), Labcorp); PubMed 22281939 (cited by Labcorp Genetics (formerly Invitae), Labcorp); PubMed 24498616 (cited by Labcorp Genetics (formerly Invitae), Labcorp).